The following is an entry in ClinVar:

ClinVar aggregate classification (germline): Benign. Review status: criteria provided, single submitter (1 of 4 stars). 2 submissions from 2 submitters: Benign (1). 1 of the submissions does not count toward it. Last evaluated 2025-06-22.

Conditions:
Epileptic encephalopathy. Identifiers: MedGen C0543888, HP:0200134.
RYR3-related disorder. Also called: RYR3-related condition.

Allele frequency attached by ClinVar (database versions not stated): gnomAD 0.00086 and 0.00082; 1000 Genomes Project 0.00100; ESP Exome Variant Server 0.00105; gnomAD exomes 0.00024; ExAC 0.00032; 1000 Genomes Project 30x 0.00078; TOPMed 0.00095.
gnomAD v4.1: 263 of 1,613,806 alleles (0.016%); highest among the groups gnomAD compares: African/African-American, 0.33%; no homozygotes.

Submissions (2):

Labcorp Genetics (formerly Invitae), Labcorp
Classification: Benign for Epileptic encephalopathy. Last evaluated: 2025-06-22. Review status: criteria provided, single submitter. Criteria: Invitae Variant Classification Sherloc (09022015). Collection method: clinical testing. Allele origin: germline.

PreventionGenetics, part of Exact Sciences
Classification: Likely benign for RYR3-related condition. Last evaluated: 2019-04-03. Review status: no assertion criteria provided. Collection method: clinical testing. Allele origin: germline. Not counted in ClinVar's aggregate classification.
Comment: This variant is classified as likely benign based on ACMG/AMP sequence variant interpretation guidelines (Richards et al. 2015 PMID: 25741868, with internal and published modifications).

NM_001036.6(RYR3):c.13938A>G (p.Leu4646=)

Genes: AVEN (apoptosis and caspase activation inhibitor; minus strand), RYR3 (ryanodine receptor 3; plus strand). Cytogenetic location: 15q14.
Variant type: single nucleotide variant.
Coding change: c.13938A>G on transcript NM_001036.6 (MANE Select); coding-DNA position 13938, A replaced by G.
Protein change: p.Leu4646=; no amino-acid change (leucine 4646 retained).
Molecular consequence: synonymous variant.
Genome position (GRCh38, 1-based): chr15:33,854,843, A>G. VCF-style: chr15-33854843-A-G. GRCh37 (hg19) VCF-style: chr15-34147044-A-G.
Other names: c.13923A>G, p.Leu4641= (NM_001243996.4).
Identifiers: ClinVar variation 531104 (VCV000531104.13), dbSNP rs199645058, ClinGen allele CA7461837.